The following is an entry in ClinVar:

ClinVar aggregate classification (germline): Uncertain significance (1 of 4 stars; one submission).

Submission:

Labcorp Genetics (formerly Invitae), Labcorp
Classification: Uncertain significance. Last evaluated: 2023-10-29. Review status: criteria provided, single submitter. Criteria: Invitae Variant Classification Sherloc (09022015). Collection method: clinical testing. Allele origin: germline.
Comment: This sequence change replaces valine, which is neutral and non-polar, with phenylalanine, which is neutral and non-polar, at codon 239 of the GRIN2D protein (p.Val239Phe). This variant is not present in population databases (gnomAD no frequency). This variant has not been reported in the literature in individuals affected with GRIN2D-related conditions. Advanced modeling of protein sequence and biophysical properties (such as structural, functional, and spatial information, amino acid conservation, physicochemical variation, residue mobility, and thermodynamic stability) performed at Invitae indicates that this missense variant is not expected to disrupt GRIN2D protein function with a negative predictive value of 80%. In summary, the available evidence is currently insufficient to determine the role of this variant in disease. Therefore, it has been classified as a Variant of Uncertain Significance.

NM_000836.4(GRIN2D):c.715G>T (p.Val239Phe)

Gene: GRIN2D (glutamate ionotropic receptor NMDA type subunit 2D; plus strand). Cytogenetic location: 19q13.33.
Variant type: single nucleotide variant.
Coding change: c.715G>T on transcript NM_000836.4 (MANE Select); coding-DNA position 715, G replaced by T.
Protein change: p.Val239Phe; replaces valine 239 with phenylalanine.
Molecular consequence: missense variant.
Genome position (GRCh38, 1-based): chr19:48,404,983, G>T. VCF-style: chr19-48404983-G-T. GRCh37 (hg19) VCF-style: chr19-48908240-G-T.
Other names: short protein forms V239F.
Identifiers: ClinVar variation 2767005 (VCV002767005.3), dbSNP rs201028602, ClinGen allele CA406691933.